The following is an entry in ClinVar:

NM_001424.6(EMP2):c.294C>A (p.Thr98=)

Gene: EMP2 (epithelial membrane protein 2; minus strand). Cytogenetic location: 16p13.13.
Variant type: single nucleotide variant.
Coding change: c.294C>A on transcript NM_001424.6 (MANE Select); coding-DNA position 294, C replaced by A.
Protein change: p.Thr98=; no amino-acid change (threonine 98 retained).
Molecular consequence: synonymous variant.
Genome position (GRCh38, 1-based): chr16:10,537,950, G>T on the plus strand (C>A on the coding strand, the complement: EMP2 is on the minus strand). VCF-style: chr16-10537950-G-T. GRCh37 (hg19) VCF-style: chr16-10631807-G-T.
Identifiers: ClinVar variation 3029451 (VCV003029451.2), dbSNP rs2142171096, ClinGen allele CA493558063.

ClinVar aggregate classification (germline): Likely benign (0 of 4 stars; one submission).

Conditions:
EMP2-related disorder. Also called: EMP2-related condition.

Submission:

PreventionGenetics, part of Exact Sciences
Classification: Likely benign for EMP2-related condition. Last evaluated: 2021-10-19. Review status: no assertion criteria provided. Collection method: clinical testing. Allele origin: germline.
Comment: This variant is classified as likely benign based on ACMG/AMP sequence variant interpretation guidelines (Richards et al. 2015 PMID: 25741868, with internal and published modifications).